The following is an entry in ClinVar:

NM_000228.3(LAMB3):c.3163del (p.Ala1055fs)

Gene: LAMB3 (laminin subunit beta 3; minus strand). Cytogenetic location: 1q32.2.
Variant type: Deletion.
Coding change: c.3163del on transcript NM_000228.3 (MANE Select); coding-DNA position 3163, one base deleted (G; older notation c.3163delG).
Protein change: p.Ala1055fs; shifts the reading frame from alanine 1055.
Molecular consequence: frameshift variant.
Genome position (GRCh38, 1-based): chr1:209,617,475, C deleted on the plus strand (G on the coding strand, the reverse complement: LAMB3 is on the minus strand); the first of 5 consecutive C bases (chr1:209,617,475-209,617,479); deleting any one gives the same sequence. VCF-style (leftmost placement, unchanged base first): chr1-209617474-GC-G. GRCh37 (hg19) VCF-style: chr1-209790819-GC-G.
Other names: c.3163del, p.Ala1055fs (NM_001017402.2, NM_001127641.1); short protein forms A1055fs.
Identifiers: ClinVar variation 2910131 (VCV002910131.5), dbSNP rs2464753059, ClinGen allele CA2573997751.
Genomic context (GRCh38, chr1:209,617,474, plus strand): 5'-TGGGCACTCAATGCCTGCTCGCTGGCACCTTCCGCAAGCTGCTGGGCCTGGACTGCCTCT[GC>G]CCCCTGCTGCCGGGCTTGGTGGCGGAGCTCCTCCATCCGTGTCCAGAAGTCACCCAGCTG-3'

ClinVar aggregate classification (germline): Pathogenic/Likely pathogenic. Review status: criteria provided, multiple submitters, no conflicts (2 of 4 stars). 3 submissions from 3 submitters: Pathogenic (2); Likely pathogenic (1). Last evaluated 2024-09-24.

Conditions:
Junctional epidermolysis bullosa gravis of Herlitz. Also called: Herlitz-type junctional epidermolysis bullosa; Epidermolysis Bullosa Letalis; EPIDERMOLYSIS BULLOSA, JUNCTIONAL 1B, SEVERE; EPIDERMOLYSIS BULLOSA JUNCTIONALIS, HERLITZ TYPE; EPIDERMOLYSIS BULLOSA, JUNCTIONAL, HERLITZ-PEARSON TYPE; JEB-HERLITZ TYPE. Identifiers: Orphanet 79404, MedGen C0079683, MONDO:0009182, OMIM 226700.
Junctional epidermolysis bullosa, non-Herlitz type. Also called: Adult junctional epidermolysis bullosa; Epidermolysis bullosa, junctional, non-herlitz type, somatic mosaic revertant; EPIDERMOLYSIS BULLOSA, JUNCTIONAL 1A, INTERMEDIATE; EPIDERMOLYSIS BULLOSA JUNCTIONALIS, DISENTIS TYPE; EPIDERMOLYSIS BULLOSA JUNCTIONALIS, NON-HERLITZ TYPE; EPIDERMOLYSIS BULLOSA JUNCTIONALIS, PROGRESSIVE. Identifiers: Orphanet 251393, Orphanet 79402, Orphanet 79405, Orphanet 89840, MedGen C0268374, MONDO:0009180, OMIM 226650.
Amelogenesis imperfecta type 1A. Also called: AMELOGENESIS IMPERFECTA, HYPOPLASTIC TYPE IA; Amelogenesis imperfecta, type IA; Amelogenesis imperfecta local hypoplastic; Amelogenesis imperfecta, hypoplastic type. Identifiers: Orphanet 88661, MedGen C4011403, MONDO:0007094, OMIM 104530.

Submissions (3):

Palindrome, Gene Kavoshgaran Aria
Classification: Pathogenic for Junctional epidermolysis bullosa gravis of Herlitz. Last evaluated: 2024-09-24. Review status: criteria provided, single submitter. Criteria: ACMG Guidelines, 2015. Collection method: clinical testing. Allele origin: germline. Inheritance: Autosomal recessive inheritance. Affected: yes. Observed: 1 homozygote.

Fulgent Genetics
Classification: Likely pathogenic for Amelogenesis imperfecta type 1A; Junctional epidermolysis bullosa, non-Herlitz type; Junctional epidermolysis bullosa gravis of Herlitz. Last evaluated: 2024-05-15. Review status: criteria provided, single submitter. Criteria: ACMG Guidelines, 2015. Collection method: clinical testing. Allele origin: germline.

Labcorp Genetics (formerly Invitae), Labcorp
Classification: Pathogenic. Last evaluated: 2023-10-07. Review status: criteria provided, single submitter. Criteria: Invitae Variant Classification Sherloc (09022015). Collection method: clinical testing. Allele origin: germline.
Comment: This sequence change creates a premature translational stop signal (p.Ala1055Glnfs*18) in the LAMB3 gene. It is expected to result in an absent or disrupted protein product. Loss-of-function variants in LAMB3 are known to be pathogenic (PMID: 11023379, 16473856). This variant is not present in population databases (gnomAD no frequency). This premature translational stop signal has been observed in individual(s) with junctional epidermolysis bullosa (PMID: 29364557). This variant is also known as c.3163delG (p.Ala1055Glnfs*17) . For these reasons, this variant has been classified as Pathogenic.

Literature cited by the submitters: PubMed 11023379 (cited by Labcorp Genetics (formerly Invitae), Labcorp); PubMed 16473856 (cited by Labcorp Genetics (formerly Invitae), Labcorp); PubMed 29364557 (cited by Labcorp Genetics (formerly Invitae), Labcorp).